The following is an entry in ClinVar:

NM_000059.4(BRCA2):c.8218T>G (p.Leu2740Val)

Gene: BRCA2 (BRCA2 DNA repair associated; plus strand). Cytogenetic location: 13q13.1.
Variant type: single nucleotide variant.
Coding change: c.8218T>G on transcript NM_000059.4 (MANE Select); coding-DNA position 8218, T replaced by G.
Protein change: p.Leu2740Val; replaces leucine 2740 with valine.
Molecular consequence: missense variant.
Genome position (GRCh38, 1-based): chr13:32,363,420, T>G. VCF-style: chr13-32363420-T-G. GRCh37 (hg19) VCF-style: chr13-32937557-T-G.
Other names: short protein forms L2740V.
Identifiers: ClinVar variation 418089 (VCV000418089.5), dbSNP rs1064793069, ClinGen allele CA16619777.

ClinVar aggregate classification (germline): Conflicting classifications of pathogenicity. Review status: criteria provided, conflicting classifications (1 of 4 stars). 2 submissions from 2 submitters: Uncertain significance (1); Likely benign (1). Last evaluated 2023-11-27.

Conditions:
Hereditary cancer-predisposing syndrome. Also called: Hereditary neoplastic syndrome; Tumor predisposition; Neoplastic Syndromes, Hereditary; Hereditary Cancer Syndrome. Identifiers: Orphanet 140162, MedGen C0027672, MeSH D009386, MONDO:0015356.

Submissions (2):

Ambry Genetics
Classification: Likely benign for Hereditary cancer-predisposing syndrome. Last evaluated: 2023-11-27. Review status: criteria provided, single submitter. Criteria: Ambry Variant Classification Scheme 2023. Collection method: clinical testing. Allele origin: germline.

GeneDx
Classification: Uncertain significance. Last evaluated: 2019-09-05. Review status: criteria provided, single submitter. Criteria: GeneDx Variant Classification Process June 2021. Collection method: clinical testing. Allele origin: germline. Affected: yes.
Comment: Not observed in large population cohorts (Lek et al., 2016); In silico analysis, which includes protein predictors and evolutionary conservation, supports that this variant does not alter protein structure/function; Has not been previously published as pathogenic or benign to our knowledge